The following is an entry in ClinVar:

NM_000918.4(P4HB):c.1158A>G (p.Lys386=)

Gene: P4HB (prolyl 4-hydroxylase subunit beta; minus strand). Cytogenetic location: 17q25.3.
Variant type: single nucleotide variant.
Coding change: c.1158A>G on transcript NM_000918.4 (MANE Select); coding-DNA position 1158, A replaced by G.
Protein change: p.Lys386=; no amino-acid change (lysine 386 retained).
Molecular consequence: synonymous variant.
Genome position (GRCh38, 1-based): chr17:81,845,890, T>C on the plus strand (A>G on the coding strand, the complement: P4HB is on the minus strand). VCF-style: chr17-81845890-T-C. GRCh37 (hg19) VCF-style: chr17-79803766-T-C.
Identifiers: ClinVar variation 737003 (VCV000737003.14), dbSNP rs142731141, ClinGen allele CA8842713.

ClinVar aggregate classification (germline): Likely benign. Review status: criteria provided, multiple submitters, no conflicts (2 of 4 stars). 4 submissions from 4 submitters: Likely benign (3). 1 of the submissions does not count toward it. Last evaluated 2025-12-30.

Conditions:
P4HB-related disorder. Also called: P4HB-related condition.

Allele frequency attached by ClinVar (database versions not stated): 1000 Genomes Project 30x 0.00016; 1000 Genomes Project 0.00020; ESP Exome Variant Server 0.00023; gnomAD 0.00029 and 0.00031; TOPMed 0.00034.
gnomAD v4.1: 432 of 1,613,968 alleles (0.027%); highest among the groups gnomAD compares: Middle Eastern, 0.17%; no homozygotes.

Submissions (4):

Labcorp Genetics (formerly Invitae), Labcorp
Classification: Likely benign. Last evaluated: 2025-12-30. Review status: criteria provided, single submitter. Criteria: Invitae Variant Classification Sherloc (09022015). Collection method: clinical testing. Allele origin: germline.

Blueprint Genetics
Classification: Likely benign. Last evaluated: 2024-11-07. Review status: criteria provided, single submitter. Criteria: ACMG Guidelines, 2015. Collection method: clinical testing. Allele origin: germline.

Breakthrough Genomics
Classification: Likely benign. Review status: criteria provided, single submitter. Criteria: ACMG Guidelines, 2015. Collection method: not provided. Allele origin: germline. Inheritance: Autosomal dominant inheritance. Affected: yes.

PreventionGenetics, part of Exact Sciences
Classification: Likely benign for P4HB-related condition. Last evaluated: 2019-12-18. Review status: no assertion criteria provided. Collection method: clinical testing. Allele origin: germline. Not counted in ClinVar's aggregate classification.
Comment: This variant is classified as likely benign based on ACMG/AMP sequence variant interpretation guidelines (Richards et al. 2015 PMID: 25741868, with internal and published modifications).